The following is an entry in ClinVar:

NM_005506.4(SCARB2):c.1229A>T (p.Tyr410Phe)

Gene: SCARB2 (scavenger receptor class B member 2; minus strand). Cytogenetic location: 4q21.1.
Variant type: single nucleotide variant.
Coding change: c.1229A>T on transcript NM_005506.4 (MANE Select); coding-DNA position 1229, A replaced by T.
Protein change: p.Tyr410Phe; replaces tyrosine 410 with phenylalanine.
Molecular consequence: missense variant.
Genome position (GRCh38, 1-based): chr4:76,166,260, T>A on the plus strand (A>T on the coding strand, the complement: SCARB2 is on the minus strand). VCF-style: chr4-76166260-T-A. GRCh37 (hg19) VCF-style: chr4-77087413-T-A.
Other names: c.800A>T, p.Tyr267Phe (NM_001204255.2); short protein forms Y410F, Y267F.
Identifiers: ClinVar variation 531800 (VCV000531800.7), dbSNP rs777270813, ClinGen allele CA2970154.
Genomic context (GRCh38, chr4:76,166,260, plus strand): 5'-TTTTTTCTGAGTCTGAAAACACCCGTGGCTCCCTCCGTCTCAGGACTTACCTCATTGAGG[T>A]ACATCACTGGGAAAACCATGGTTCTAATGTCTCCCGTTTCACTACAAAGACAAAGGATGA-3'
Protein context (NP_005497.1, residues 400-420): DIRTMVFPVM[Tyr410Phe]LNESVHIDKE

ClinVar aggregate classification (germline): Uncertain significance. Review status: criteria provided, multiple submitters, no conflicts (2 of 4 stars). 2 submissions from 2 submitters: Uncertain significance (2). Last evaluated 2026-04-09.

Conditions:
Progressive myoclonic epilepsy. Also called: Progressive myoclonus epilepsy; Myoclonus epilepsy; Familial progressive myoclonic epilepsy; Myoclonic Epilepsies, Progressive. Identifiers: Orphanet 308, Orphanet 98261, MedGen C0751778, MONDO:0020074.
Inborn genetic diseases. Identifiers: MedGen C0950123, MeSH D030342.

Allele frequency attached by ClinVar (database versions not stated): gnomAD exomes below 0.00001 and 0.00001; TOPMed below 0.00001; ExAC 0.00001.
gnomAD v4.1: 18 of 1,614,126 alleles (0.0011%); highest among the groups gnomAD compares: East Asian, 0.022%; no homozygotes.

Submissions (2):

Ambry Genetics
Classification: Uncertain significance for Inborn genetic diseases. Last evaluated: 2026-04-09. Review status: criteria provided, single submitter. Criteria: Ambry Variant Classification Scheme 2023. Collection method: clinical testing. Allele origin: germline.
Comment: The c.1229A>T (p.Y410F) alteration is located in exon 10 (coding exon 10) of the SCARB2 gene. This alteration results from a A to T substitution at nucleotide position 1229, causing the tyrosine (Y) at amino acid position 410 to be replaced by a phenylalanine (F). Based on data from gnomAD, the T allele has an overall frequency of <0.001% (1/251398) total alleles studied. The highest observed frequency was 0.005% (1/18392) of East Asian alleles. Based on insufficient or conflicting evidence, the clinical significance of this alteration remains unclear.

Labcorp Genetics (formerly Invitae), Labcorp
Classification: Uncertain significance for Progressive myoclonic epilepsy. Last evaluated: 2022-03-15. Review status: criteria provided, single submitter. Criteria: Invitae Variant Classification Sherloc (09022015). Collection method: clinical testing. Allele origin: germline.
Comment: This sequence change replaces tyrosine, which is neutral and polar, with phenylalanine, which is neutral and non-polar, at codon 410 of the SCARB2 protein (p.Tyr410Phe). This variant is present in population databases (rs777270813, gnomAD 0.006%). This variant has not been reported in the literature in individuals affected with SCARB2-related conditions. ClinVar contains an entry for this variant (Variation ID: 531800). Algorithms developed to predict the effect of missense changes on protein structure and function (SIFT, PolyPhen-2, Align-GVGD) all suggest that this variant is likely to be tolerated. In summary, the available evidence is currently insufficient to determine the role of this variant in disease. Therefore, it has been classified as a Variant of Uncertain Significance.